The following is an entry in ClinVar:

NM_021930.6(RINT1):c.1648C>G (p.Leu550Val)

Gene: RINT1 (RAD50 interactor 1; plus strand). Cytogenetic location: 7q22.3.
Variant type: single nucleotide variant.
Coding change: c.1648C>G on transcript NM_021930.6 (MANE Select); coding-DNA position 1648, C replaced by G.
Protein change: p.Leu550Val; replaces leucine 550 with valine.
Molecular consequence: missense variant.
Genome position (GRCh38, 1-based): chr7:105,555,204, C>G. VCF-style: chr7-105555204-C-G. GRCh37 (hg19) VCF-style: chr7-105195651-C-G.
Other names: c.1414C>G, p.Leu472Val (NM_001346599.2); c.625C>G, p.Leu209Val (NM_001346600.2, NM_001346603.2); c.724C>G, p.Leu242Val (NM_001346601.2); short protein forms L242V, L550V, L209V, L472V.
Identifiers: ClinVar variation 1777188 (VCV001777188.2), dbSNP rs1791129261, ClinGen allele CA368811962.

ClinVar aggregate classification (germline): Uncertain significance (1 of 4 stars; one submission).

Submission:

Ambry Genetics
Classification: Uncertain significance. Last evaluated: 2022-02-18. Review status: criteria provided, single submitter. Criteria: Ambry Variant Classification Scheme 2023. Collection method: clinical testing. Allele origin: germline.
Comment: The p.L550V variant (also known as c.1648C>G), located in coding exon 11 of the RINT1 gene, results from a C to G substitution at nucleotide position 1648. The leucine at codon 550 is replaced by valine, an amino acid with highly similar properties. This amino acid position is conserved. In addition, the in silico prediction for this alteration is inconclusive. Since supporting evidence is limited at this time, the clinical significance of this alteration remains unclear.